The following is an entry in ClinVar:

ClinVar aggregate classification (germline): Uncertain significance (1 of 4 stars; one submission).

Conditions:
Immunodeficiency, common variable, 2 (CVID2). Also called: ANTIBODY DEFICIENCY DUE TO TACI DEFECT; HYPOGAMMAGLOBULINEMIA DUE TO TACI DEFICIENCY. Identifiers: Orphanet 1572, MedGen C3150354, MONDO:0009413, OMIM 240500.

Allele frequency attached by ClinVar (database versions not stated): gnomAD exomes 0.00001; TOPMed 0.00008; gnomAD 0.00005.
gnomAD v4.1: 14 of 1,614,066 alleles (0.00087%); highest among the groups gnomAD compares: Admixed American, 0.023%; no homozygotes.

Submission:

Labcorp Genetics (formerly Invitae), Labcorp
Classification: Uncertain significance for Immunodeficiency, common variable, 2. Last evaluated: 2021-12-24. Review status: criteria provided, single submitter. Criteria: Invitae Variant Classification Sherloc (09022015). Collection method: clinical testing. Allele origin: germline.
Comment: This sequence change replaces cysteine, which is neutral and slightly polar, with serine, which is neutral and polar, at codon 50 of the TNFRSF13B protein (p.Cys50Ser). This variant is present in population databases (no rsID available, gnomAD 0.02%). This variant has not been reported in the literature in individuals affected with TNFRSF13B-related conditions. Algorithms developed to predict the effect of missense changes on protein structure and function are either unavailable or do not agree on the potential impact of this missense change (SIFT: "Deleterious"; PolyPhen-2: "Probably Damaging"; Align-GVGD: "Class C0"). In summary, the available evidence is currently insufficient to determine the role of this variant in disease. Therefore, it has been classified as a Variant of Uncertain Significance.

NM_012452.3(TNFRSF13B):c.149G>C (p.Cys50Ser)

Gene: TNFRSF13B (TNF receptor superfamily member 13B; minus strand). Cytogenetic location: 17p11.2.
Variant type: single nucleotide variant.
Coding change: c.149G>C on transcript NM_012452.3 (MANE Select); coding-DNA position 149, G replaced by C.
Protein change: p.Cys50Ser; replaces cysteine 50 with serine.
Molecular consequence: missense variant.
Genome position (GRCh38, 1-based): chr17:16,952,496, C>G on the plus strand (G>C on the coding strand, the complement: TNFRSF13B is on the minus strand). VCF-style: chr17-16952496-C-G. GRCh37 (hg19) VCF-style: chr17-16855810-C-G.
Other names: short protein forms C50S.
Identifiers: ClinVar variation 2168330 (VCV002168330.1), dbSNP rs1348604020, ClinGen allele CA398520389.